The following is an entry in ClinVar:

ClinVar aggregate classification (germline): Benign (1 of 4 stars; one submission).

Conditions:
Hypophosphatemic nephrolithiasis/osteoporosis 1. Identifiers: Orphanet 244305, MedGen C2676786, MONDO:0012850, OMIM 612286.

Allele frequency attached by ClinVar (database versions not stated): gnomAD 0.00119; ESP Exome Variant Server 0.00092; gnomAD exomes 0.00099 and 0.00108; 1000 Genomes Project 0.00100; 1000 Genomes Project 30x 0.00109; ExAC 0.00137; TOPMed 0.00147.
gnomAD v4.1: 1,658 of 1,604,332 alleles (0.1%); highest among the groups gnomAD compares: Middle Eastern, 2.2%; 11 homozygotes.

Submission:

Illumina Laboratory Services, Illumina
Classification: Benign for Hypophosphatemic nephrolithiasis/osteoporosis 1. Last evaluated: 2018-01-13. Review status: criteria provided, single submitter. Criteria: ICSL Variant Classification Criteria 13 December 2019. Collection method: clinical testing. Allele origin: germline.
Comment: This variant was observed in the ICSL laboratory as part of a predisposition screen in an ostensibly healthy population. It had not been previously curated by ICSL or reported in the Human Gene Mutation Database (HGMD: prior to June 1st, 2018), and was therefore a candidate for classification through an automated scoring system. Utilizing variant allele frequency, disease prevalence and penetrance estimates, and inheritance mode, an automated score was calculated to assess if this variant is too frequent to cause the disease. Based on the score and internal cut-off values, a variant classified as benign is not then subjected to further curation. The score for this variant resulted in a classification of benign for this disease.

NM_003052.5(SLC34A1):c.-11G>C

Gene: SLC34A1 (solute carrier family 34 member 1; plus strand). Cytogenetic location: 5q35.3.
Variant type: single nucleotide variant.
Coding change: c.-11G>C on transcript NM_003052.5 (MANE Select); 11 bases upstream of the start codon, G replaced by C.
Molecular consequence: 5 prime UTR variant.
Genome position (GRCh38, 1-based): chr5:177,385,731, G>C. VCF-style: chr5-177385731-G-C. GRCh37 (hg19) VCF-style: chr5-176812732-G-C.
Other names: c.-11G>C (NM_001167579.2).
Identifiers: ClinVar variation 352952 (VCV000352952.5), dbSNP rs368569333, ClinGen allele CA3580209.